The following is an entry in ClinVar:

NM_000091.5(COL4A3):c.3919G>A (p.Gly1307Ser)

Genes: COL4A3 (collagen type IV alpha 3 chain; plus strand), MFF-DT (MFF divergent transcript; minus strand). Cytogenetic location: 2q36.3.
Variant type: single nucleotide variant.
Coding change: c.3919G>A on transcript NM_000091.5 (MANE Select); coding-DNA position 3919, G replaced by A.
Protein change: p.Gly1307Ser; replaces glycine 1307 with serine.
Molecular consequence: missense variant.
Genome position (GRCh38, 1-based): chr2:227,303,074, G>A. VCF-style: chr2-227303074-G-A. GRCh37 (hg19) VCF-style: chr2-228167790-G-A.
Other names: short protein forms G1307S.
Identifiers: ClinVar variation 3256622 (VCV003256622.1).

ClinVar aggregate classification (germline): Likely pathogenic (1 of 4 stars; one submission).

Conditions:
Autosomal dominant Alport syndrome (ATS3A). Also called: Alport syndrome dominant type; Renal failure and sensorineural hearing loss; ALPORT SYNDROME 3A, AUTOSOMAL DOMINANT. Identifiers: Orphanet 63, Orphanet 88918, MedGen C5882663, MONDO:0007086, OMIM 104200.

gnomAD v4.1: 3 of 1,614,010 alleles (0.00019%); highest among the groups gnomAD compares: East Asian, 0.0022%; no homozygotes.

Submission:

MVZ Medizinische Genetik Mainz
Classification: Likely pathogenic for Autosomal dominant Alport syndrome. Last evaluated: 2024-03-22. Review status: criteria provided, single submitter. Criteria: UK Practice Guidelines For Variant Classification V4 01 2020. Collection method: clinical testing. Allele origin: germline. Inheritance: Autosomal dominant inheritance. Affected: yes. Observed: 1 variant allele.
Comment: ACMG Criteria: PM1_STR,PM2_SUP,PP3